The following is an entry in ClinVar:

ClinVar aggregate classification (germline): Uncertain significance (1 of 4 stars; one submission).

Submission:

Labcorp Genetics (formerly Invitae), Labcorp
Classification: Uncertain significance. Last evaluated: 2023-03-16. Review status: criteria provided, single submitter. Criteria: Invitae Variant Classification Sherloc (09022015). Collection method: clinical testing. Allele origin: germline.
Comment: In summary, the available evidence is currently insufficient to determine the role of this variant in disease. Therefore, it has been classified as a Variant of Uncertain Significance. This sequence change replaces arginine, which is basic and polar, with leucine, which is neutral and non-polar, at codon 83 of the GALNT12 protein (p.Arg83Leu). This variant is not present in population databases (gnomAD no frequency). This variant has not been reported in the literature in individuals affected with GALNT12-related conditions. Advanced modeling of protein sequence and biophysical properties (such as structural, functional, and spatial information, amino acid conservation, physicochemical variation, residue mobility, and thermodynamic stability) performed at Invitae indicates that this missense variant is not expected to disrupt GALNT12 protein function.

NM_024642.5(GALNT12):c.248G>T (p.Arg83Leu)

Gene: GALNT12 (polypeptide N-acetylgalactosaminyltransferase 12; plus strand). Cytogenetic location: 9q22.33.
Variant type: single nucleotide variant.
Coding change: c.248G>T on transcript NM_024642.5 (MANE Select); coding-DNA position 248, G replaced by T.
Protein change: p.Arg83Leu; replaces arginine 83 with leucine.
Molecular consequence: missense variant.
Genome position (GRCh38, 1-based): chr9:98,807,946, G>T. VCF-style: chr9-98807946-G-T. GRCh37 (hg19) VCF-style: chr9-101570228-G-T.
Other names: short protein forms R83L.
Identifiers: ClinVar variation 2846191 (VCV002846191.3), dbSNP rs2490455884, ClinGen allele CA374222606.
Genomic context (GRCh38, chr9:98,807,946, plus strand): 5'-CGGTCATGCCGCGGCCGCCGGTGCCGGCGAACGCGCTGGGCGCGCGGGGCGAGGCGGTGC[G>T]GCTGCAGCTGCAGGGCGAGGAGCTGCGGCTGCAGGAGGAGAGCGTGCGGCTGCACCAGAT-3'
Protein context (NP_078918.3, residues 73-93): NALGARGEAV[Arg83Leu]LQLQGEELRL